The following is an entry in ClinVar:

ClinVar aggregate classification (germline): Likely benign (0 of 4 stars; one submission).

Conditions:
ATP2C2-related disorder. Also called: ATP2C2-related condition.

Allele frequency attached by ClinVar (database versions not stated): gnomAD exomes 0.00002; ExAC 0.00005; gnomAD 0.00007; ESP Exome Variant Server 0.00008; TOPMed 0.00009.

Submission:

PreventionGenetics, part of Exact Sciences
Classification: Likely benign for ATP2C2-related condition. Last evaluated: 2019-05-08. Review status: no assertion criteria provided. Collection method: clinical testing. Allele origin: germline.
Comment: This variant is classified as likely benign based on ACMG/AMP sequence variant interpretation guidelines (Richards et al. 2015 PMID: 25741868, with internal and published modifications).

NM_014861.4(ATP2C2):c.987-8C>T

Gene: ATP2C2 (ATPase secretory pathway Ca2+ transporting 2; plus strand). Cytogenetic location: 16q24.1.
Variant type: single nucleotide variant.
Coding change: c.987-8C>T on transcript NM_014861.4 (MANE Select); 8 bases into the intron before coding-DNA position 987, C replaced by T.
Molecular consequence: intron variant.
Genome position (GRCh38, 1-based): chr16:84,439,158, C>T. VCF-style: chr16-84439158-C-T. GRCh37 (hg19) VCF-style: chr16-84472764-C-T.
Other names: c.987-8C>T (NM_001286527.3); c.534-8C>T (NM_001291454.2).
Identifiers: ClinVar variation 3037639 (VCV003037639.2), dbSNP rs377016980, ClinGen allele CA8207111.